The following is an entry in ClinVar:

NM_001085049.3(MRAS):c.314G>A (p.Arg105His)

Gene: MRAS (muscle RAS oncogene homolog; plus strand). Cytogenetic location: 3q22.3.
Variant type: single nucleotide variant.
Coding change: c.314G>A on transcript NM_001085049.3 (MANE Select); coding-DNA position 314, G replaced by A.
Protein change: p.Arg105His; replaces arginine 105 with histidine.
Molecular consequence: missense variant.
Genome position (GRCh38, 1-based): chr3:138,397,444, G>A. VCF-style: chr3-138397444-G-A. GRCh37 (hg19) VCF-style: chr3-138116286-G-A.
Other names: c.86G>A, p.Arg29His (NM_001252091.1, NM_001252092.2, NM_001252093.2); c.314G>A, p.Arg105His (NM_012219.4, NM_001252090.2); short protein forms R29H, R105H.
Identifiers: ClinVar variation 2847741 (VCV002847741.3), dbSNP rs2055262544, ClinGen allele CA354673119.

ClinVar aggregate classification (germline): Uncertain significance (1 of 4 stars; one submission).

Allele frequency attached by ClinVar (database versions not stated): gnomAD exomes below 0.00001.
gnomAD v4.1: 2 of 1,614,112 alleles (0.00012%); highest among the groups gnomAD compares: African/African-American, 0.0013%; no homozygotes.

Submission:

Labcorp Genetics (formerly Invitae), Labcorp
Classification: Uncertain significance. Last evaluated: 2023-03-20. Review status: criteria provided, single submitter. Criteria: Invitae Variant Classification Sherloc (09022015). Collection method: clinical testing. Allele origin: germline.
Comment: In summary, the available evidence is currently insufficient to determine the role of this variant in disease. Therefore, it has been classified as a Variant of Uncertain Significance. An algorithm developed to predict the effect of missense changes on protein structure and function (PolyPhen-2) suggests that this variant is likely to be tolerated. This variant has not been reported in the literature in individuals affected with MRAS-related conditions. This variant is not present in population databases (gnomAD no frequency). This sequence change replaces arginine, which is basic and polar, with histidine, which is basic and polar, at codon 105 of the MRAS protein (p.Arg105His).